The following is an entry in ClinVar:

NM_001048174.2(MUTYH):c.1319C>T (p.Thr440Ile)

Gene: MUTYH (mutY DNA glycosylase; minus strand). Cytogenetic location: 1p34.1.
Variant type: single nucleotide variant.
Coding change: c.1319C>T on transcript NM_001048174.2 (MANE Select); coding-DNA position 1319, C replaced by T.
Protein change: p.Thr440Ile; replaces threonine 440 with isoleucine.
Molecular consequence: missense variant. On other transcripts: non-coding transcript variant (2).
Genome position (GRCh38, 1-based): chr1:45,331,255, G>A on the plus strand (C>T on the coding strand, the complement: MUTYH is on the minus strand). VCF-style: chr1-45331255-G-A. GRCh37 (hg19) VCF-style: chr1-45796927-G-A.
Other names: c.1319C>T, p.Thr440Ile (NM_001048171.2, NM_001048173.2, NM_001293195.2); c.1322C>T, p.Thr441Ile (NM_001048172.2); c.1403C>T, p.Thr468Ile (NM_001128425.2); c.1364C>T, p.Thr455Ile (NM_001293190.2); c.1352C>T, p.Thr451Ile (NM_001293191.2); c.1043C>T, p.Thr348Ile (NM_001293192.2, NM_001293196.2); c.974C>T, p.Thr325Ile (NM_001350650.2, NM_001350651.2); c.1394C>T, p.Thr465Ile (NM_012222.3); and 1 more; short protein forms T325I, T348I, T440I, T441I, T451I, T455I, T465I, T468I.
Identifiers: ClinVar variation 1014383 (VCV001014383.10), dbSNP rs1644780151, ClinGen allele CA340132643.

ClinVar aggregate classification (germline): Uncertain significance. Review status: criteria provided, multiple submitters, no conflicts (2 of 4 stars). 2 submissions from 2 submitters: Uncertain significance (2). Last evaluated 2025-08-27.

Conditions:
Hereditary cancer-predisposing syndrome. Also called: Neoplastic Syndromes, Hereditary; Hereditary Cancer Syndrome; Hereditary neoplastic syndrome; Tumor predisposition. Identifiers: Orphanet 140162, MedGen C0027672, MeSH D009386, MONDO:0015356.
Familial adenomatous polyposis 2. Also called: COLORECTAL ADENOMATOUS POLYPOSIS, AUTOSOMAL RECESSIVE; ADENOMAS, MULTIPLE COLORECTAL, AUTOSOMAL RECESSIVE; Adenomas, multiple colorectal; FAP type 2; MUTYH Polyposis; MUTYH-associated polyposis. Identifiers: Orphanet 220460, Orphanet 247798, MedGen C3272841, MONDO:0012041, OMIM 608456.

Submissions (2):

Ambry Genetics
Classification: Uncertain significance for Hereditary cancer-predisposing syndrome. Last evaluated: 2025-08-27. Review status: criteria provided, single submitter. Criteria: Ambry Variant Classification Scheme 2023. Collection method: clinical testing. Allele origin: germline.
Comment: The p.T468I variant (also known as c.1403C>T), located in coding exon 14 of the MUTYH gene, results from a C to T substitution at nucleotide position 1403. The threonine at codon 468 is replaced by isoleucine, an amino acid with similar properties. This amino acid position is conserved. In addition, this alteration is predicted to be tolerated by in silico analysis. Based on the available evidence, the clinical significance of this variant remains unclear.

Labcorp Genetics (formerly Invitae), Labcorp
Classification: Uncertain significance for Familial adenomatous polyposis 2. Last evaluated: 2024-02-17. Review status: criteria provided, single submitter. Criteria: Invitae Variant Classification Sherloc (09022015). Collection method: clinical testing. Allele origin: germline.
Comment: This sequence change replaces threonine, which is neutral and polar, with isoleucine, which is neutral and non-polar, at codon 468 of the MUTYH protein (p.Thr468Ile). This variant is not present in population databases (gnomAD no frequency). This variant has not been reported in the literature in individuals affected with MUTYH-related conditions. ClinVar contains an entry for this variant (Variation ID: 1014383). Algorithms developed to predict the effect of missense changes on protein structure and function output the following: SIFT: "Not Available"; PolyPhen-2: "Benign"; Align-GVGD: "Not Available". The isoleucine amino acid residue is found in multiple mammalian species, which suggests that this missense change does not adversely affect protein function. In summary, the available evidence is currently insufficient to determine the role of this variant in disease. Therefore, it has been classified as a Variant of Uncertain Significance.